The following is an entry in ClinVar:

NM_000051.4(ATM):c.1471dup (p.Thr491fs)

Gene: ATM (ATM serine/threonine kinase; plus strand). Cytogenetic location: 11q22.3.
Variant type: Duplication.
Coding change: c.1471dup on transcript NM_000051.4 (MANE Select); coding-DNA position 1471, one base duplicated (A; older notation c.1471dupA).
Protein change: p.Thr491fs; shifts the reading frame from threonine 491.
Molecular consequence: frameshift variant.
Genome position (GRCh38, 1-based): chr11:108,250,936, A duplicated. VCF-style (leftmost placement, unchanged base first): chr11-108250935-T-TA. GRCh37 (hg19) VCF-style: chr11-108121662-T-TA.
Other names: c.1471dup, p.Thr491fs (NM_001351834.2); short protein forms T491fs.
Identifiers: ClinVar variation 934725 (VCV000934725.8), dbSNP rs2080109832, ClinGen allele CA1139662154.

ClinVar aggregate classification (germline): Pathogenic. Review status: criteria provided, multiple submitters, no conflicts (2 of 4 stars). 2 submissions from 2 submitters: Pathogenic (2). Last evaluated 2026-04-28.

Conditions:
Inherited breast cancer and ovarian cancer.
Ataxia-telangiectasia syndrome (AT). Also called: LOUIS-BAR SYNDROME; Cerebello-oculocutaneous telangiectasia; Immunodeficiency with ataxia telangiectasia; Ataxia-telangiectasia, complementation group D; Ataxia telangiectasia (A-T); Ataxia-telangiectasia. Identifiers: Orphanet 100, MedGen C0004135, MONDO:0008840, OMIM 208900.

Submissions (2):

Genetics Laboratory, Great Ormond Street Hospital NHS Foundation Trust, North Thames Genomic Laboratory Hub
Classification: Pathogenic for Inherited breast cancer and ovarian cancer. Last evaluated: 2026-04-28. Review status: criteria provided, single submitter. Criteria: CanVIG ATM Gene Specific V1.2. Collection method: clinical testing. Allele origin: germline. Affected: yes.
Comment: PM2_supporting, PVS1_very-strong, PM5_supporting

Labcorp Genetics (formerly Invitae), Labcorp
Classification: Pathogenic for Ataxia-telangiectasia syndrome. Last evaluated: 2020-01-07. Review status: criteria provided, single submitter. Criteria: Invitae Variant Classification Sherloc (09022015). Collection method: clinical testing. Allele origin: germline.
Comment: This sequence change creates a premature translational stop signal (p.Thr491Asnfs*8) in the ATM gene. It is expected to result in an absent or disrupted protein product. This variant is not present in population databases (ExAC no frequency). This variant has not been reported in the literature in individuals with ATM-related conditions. Loss-of-function variants in ATM are known to be pathogenic (PMID: 23807571, 25614872). For these reasons, this variant has been classified as Pathogenic.

Literature cited by the submitters: PubMed 23807571 (cited by Labcorp Genetics (formerly Invitae), Labcorp); PubMed 25614872 (cited by Labcorp Genetics (formerly Invitae), Labcorp).